The following is an entry in ClinVar:

NM_000183.3(HADHB):c.615_616insCTCTAAT (p.Phe206delinsLeuTer)

Gene: HADHB (hydroxyacyl-CoA dehydrogenase trifunctional multienzyme complex subunit beta; plus strand). Cytogenetic location: 2p23.3.
Variant type: Insertion.
Coding change: c.615_616insCTCTAAT on transcript NM_000183.3 (MANE Select); coding-DNA positions 615 to 616, CTCTAAT inserted.
Protein change: p.Phe206delinsLeuTer.
Molecular consequence: nonsense.
Genome position: GRCh38 VCF-style: chr2-26278782-T-TTAATCTC. GRCh37 (hg19) VCF-style: chr2-26501650-T-TTAATCTC.
Other names: c.570_571insCTCTAAT, p.Phe191delinsLeuTer (NM_001281512.2); c.549_550insCTCTAAT, p.Phe184delinsLeuTer (NM_001281513.2).
Identifiers: ClinVar variation 2756202 (VCV002756202.3), dbSNP rs2465718716, ClinGen allele CA2697547874.
Genomic context (GRCh38, chr2:26,278,782, plus strand): 5'-TTGATCTCAATAAGGCCAAATCTATGGGCCAGCGACTGTCTTTAATCTCTAAATTCCGAT[T>TTAATCTC]TAATTTCCTAGCACCTGAGGTAAGGCTTGTGTTTGCAGGGCATCCCACTGCAGAGATTTA-3'

ClinVar aggregate classification (germline): Pathogenic (1 of 4 stars; one submission).

Conditions:
Mitochondrial trifunctional protein deficiency. Identifiers: Orphanet 746, MedGen C1969443, MONDO:0012172.

Submission:

Labcorp Genetics (formerly Invitae), Labcorp
Classification: Pathogenic for Mitochondrial trifunctional protein deficiency. Last evaluated: 2023-12-03. Review status: criteria provided, single submitter. Criteria: Invitae Variant Classification Sherloc (09022015). Collection method: clinical testing. Allele origin: germline.
Comment: This sequence change creates a premature translational stop signal (p.Phe206Leufs*2) in the HADHB gene. It is expected to result in an absent or disrupted protein product. Loss-of-function variants in HADHB are known to be pathogenic (PMID: 9259266, 12754706). This variant is not present in population databases (gnomAD no frequency). This variant has not been reported in the literature in individuals affected with HADHB-related conditions. Algorithms developed to predict the effect of sequence changes on RNA splicing suggest that this variant may disrupt the consensus splice site. For these reasons, this variant has been classified as Pathogenic.

Literature cited by the submitters: PubMed 9259266; PubMed 12754706.